The following is an entry in ClinVar:

ClinVar aggregate classification (germline): Pathogenic/Likely pathogenic. Review status: criteria provided, multiple submitters, no conflicts (2 of 4 stars). 3 submissions from 3 submitters: Pathogenic (2); Likely pathogenic (1). Last evaluated 2023-10-09.

Conditions:
MYH7-related cardiomyopathy.
MYH7-related disorder. Also called: MYH7-related condition; MYH7-related disease; MYH7-related disorders.
Hypertrophic cardiomyopathy. Also called: HYPERTROPHIC MYOCARDIOPATHY. Identifiers: Orphanet 217569, MedGen C0007194, MeSH D002312, MONDO:0005045, HP:0001639.

Submissions (3):

GeneDx
Classification: Likely pathogenic. Last evaluated: 2023-10-09. Review status: criteria provided, single submitter. Criteria: GeneDx Variant Classification Process June 2021. Collection method: clinical testing. Allele origin: germline. Affected: yes.
Comment: Has been reported in several unrelated individuals with HCM in published literature and undergoing genetic testing at GeneDx (PMID: 26914223, 18533079, 24835277, 23283745); Not observed at significant frequency in large population cohorts (gnomAD); Functional studies in cardiomyocytes from an HCM patient suggest a shorter sarcomere length compared to donor control and lower phosphoyrlation levels (PMID: 23508784); In silico analysis supports that this missense variant has a deleterious effect on protein structure/function; This variant is associated with the following publications: (PMID: 12820698, 27247418, 18533079, 24835277, 27532257, 29300372, 35208637, 26914223, 23283745, 23508784)

Labcorp Genetics (formerly Invitae), Labcorp
Classification: Pathogenic for Hypertrophic cardiomyopathy. Last evaluated: 2022-11-25. Review status: criteria provided, single submitter. Criteria: Invitae Variant Classification Sherloc (09022015). Collection method: clinical testing. Allele origin: germline.
Comment: Advanced modeling of protein sequence and biophysical properties (such as structural, functional, and spatial information, amino acid conservation, physicochemical variation, residue mobility, and thermodynamic stability) performed at Invitae indicates that this missense variant is expected to disrupt MYH7 protein function. For these reasons, this variant has been classified as Pathogenic. This variant disrupts the p.Ser782 amino acid residue in MYH7. Other variant(s) that disrupt this residue have been determined to be pathogenic (PMID: 12820698, 23674513; Invitae). This suggests that this residue is clinically significant, and that variants that disrupt this residue are likely to be disease-causing. ClinVar contains an entry for this variant (Variation ID: 181181). This missense change has been observed in individuals with hypertrophic cardiomyopathy (PMID: 18533079, 23283745, 23508784, 26914223, 27247418). This variant is not present in population databases (gnomAD no frequency). This sequence change replaces serine, which is neutral and polar, with arginine, which is basic and polar, at codon 782 of the MYH7 protein (p.Ser782Arg).

Blueprint Genetics
Classification: Pathogenic for MYH7-related disorders. Last evaluated: 2022-06-09. Review status: criteria provided, single submitter. Criteria: ACMG Guidelines, 2015. Collection method: clinical testing. Allele origin: germline. Affected: yes. Observed: 1 variant allele.

Literature cited by the submitters: PubMed 12820698 (cited by Labcorp Genetics (formerly Invitae), Labcorp); PubMed 23674513 (cited by Labcorp Genetics (formerly Invitae), Labcorp); PubMed 18533079 (cited by Labcorp Genetics (formerly Invitae), Labcorp); PubMed 23283745 (cited by Labcorp Genetics (formerly Invitae), Labcorp); PubMed 23508784 (cited by Labcorp Genetics (formerly Invitae), Labcorp); PubMed 26914223 (cited by Labcorp Genetics (formerly Invitae), Labcorp); PubMed 27247418 (cited by Labcorp Genetics (formerly Invitae), Labcorp).

NM_000257.4(MYH7):c.2346C>A (p.Ser782Arg)

Genes: MYH7 (myosin heavy chain 7; minus strand), LOC126861898 (BRD4-independent group 4 enhancer GRCh37_chr14:23893609-23894808; plus strand). Cytogenetic location: 14q11.2.
Variant type: single nucleotide variant.
Coding change: c.2346C>A on transcript NM_000257.4 (MANE Select); coding-DNA position 2346, C replaced by A.
Protein change: p.Ser782Arg; replaces serine 782 with arginine.
Molecular consequence: missense variant.
Genome position (GRCh38, 1-based): chr14:23,425,359, G>T on the plus strand (C>A on the coding strand, the complement: MYH7 is on the minus strand). VCF-style: chr14-23425359-G-T. GRCh37 (hg19) VCF-style: chr14-23894568-G-T.
Other names: p.S782R:AGC>AGA; c.2346C>A (LRG_384t1); short protein forms S782R.
Identifiers: ClinVar variation 181181 (VCV000181181.11), dbSNP rs730880736, ClinGen allele CA012164.